The following is an entry in ClinVar:

NM_003098.3(SNTA1):c.160G>C (p.Gly54Arg)

Gene: SNTA1 (syntrophin alpha 1; minus strand). Cytogenetic location: 20q11.21.
Variant type: single nucleotide variant.
Coding change: c.160G>C on transcript NM_003098.3 (MANE Select); coding-DNA position 160, G replaced by C.
Protein change: p.Gly54Arg; replaces glycine 54 with arginine.
Molecular consequence: missense variant.
Genome position (GRCh38, 1-based): chr20:33,443,461, C>G on the plus strand (G>C on the coding strand, the complement: SNTA1 is on the minus strand). VCF-style: chr20-33443461-C-G. GRCh37 (hg19) VCF-style: chr20-32031267-C-G.
Other names: p.G54R:GGC>CGC; short protein forms G54R.
Identifiers: ClinVar variation 190934 (VCV000190934.16), dbSNP rs786205848, ClinGen allele CA302327.
Genomic context (GRCh38, chr20:33,443,461, plus strand): 5'-GCCCGGCGCCCGGCTCCGCGGCGCCGTTGAGCTGCGCGGGCTCCTGCTCCCGCGGAGCGC[C>G]GGGCTCGGGACCAGGGTCGCCGTCGGCGGGGCTCACGGTCAGCACGTCCTCCGCCAGACT-3'
Protein context (NP_003089.1, residues 44-64): PADGDPGPEP[Gly54Arg]APREQEPAQL

ClinVar aggregate classification (germline): Conflicting classifications of pathogenicity. Review status: criteria provided, conflicting classifications (1 of 4 stars). 6 submissions from 6 submitters: Uncertain significance (5); Likely benign (1). Last evaluated 2026-01-26.

Conditions:
Cardiovascular phenotype. Identifiers: MedGen CN230736.
Long QT syndrome (LQTS). Identifiers: MedGen C0023976, MeSH D008133, MONDO:0002442. Disease mechanism: loss of function. Inheritance: Various modes of inheritance.
Long QT syndrome 12 (LQT12). Identifiers: Orphanet 101016, Orphanet 768, MedGen C2751830, MONDO:0013062, OMIM 612955.

Allele frequency attached by ClinVar (database versions not stated): gnomAD 0.00003; gnomAD exomes 0.00012; 1000 Genomes Project 30x 0.00016; TOPMed 0.00018.
gnomAD v4.1: 257 of 1,369,088 alleles (0.019%); highest among the groups gnomAD compares: Middle Eastern, 0.054%; no homozygotes.

Submissions (6):

Labcorp Genetics (formerly Invitae), Labcorp
Classification: Uncertain significance for Long QT syndrome. Last evaluated: 2026-01-26. Review status: criteria provided, single submitter. Criteria: Invitae Variant Classification Sherloc (09022015). Collection method: clinical testing. Allele origin: germline.
Comment: This sequence change replaces glycine, which is neutral and non-polar, with arginine, which is basic and polar, at codon 54 of the SNTA1 protein (p.Gly54Arg). This variant is present in population databases (rs786205848, gnomAD 0.04%). This missense change has been observed in individual(s) with Brugada Syndrome, Long QT Syndrome, and/or sudden infant death syndrome (PMID: 20009079, 34546463, 38426305). ClinVar contains an entry for this variant (Variation ID: 190934). An algorithm developed to predict the effect of missense changes on protein structure and function (PolyPhen-2) suggests that this variant is likely to be tolerated. Experimental studies have shown that this missense change does not substantially affect SNTA1 function (PMID: 20009079). In summary, the available evidence is currently insufficient to determine the role of this variant in disease. Therefore, it has been classified as a Variant of Uncertain Significance.

Ambry Genetics
Classification: Likely benign for Cardiovascular phenotype. Last evaluated: 2022-06-07. Review status: criteria provided, single submitter. Criteria: Ambry Variant Classification Scheme 2023. Collection method: clinical testing. Allele origin: germline.

Fulgent Genetics
Classification: Uncertain significance for Long QT syndrome 12. Last evaluated: 2021-11-09. Review status: criteria provided, single submitter. Criteria: ACMG Guidelines, 2015. Collection method: clinical testing. Allele origin: unknown.

Centre for Mendelian Genomics, University Medical Centre Ljubljana
Classification: Uncertain significance for Long QT syndrome 12. Last evaluated: 2019-04-01. Review status: criteria provided, single submitter. Criteria: ACMG Guidelines, 2015. Collection method: clinical testing. Allele origin: unknown. Affected: yes.
Comment: This variant was classified as: Uncertain significance. The available evidence on this variant's pathogenicity is insufficient or conflicting. The following ACMG criteria were applied in classifying this variant: BP4-P,BP5.

GeneDx
Classification: Uncertain significance. Last evaluated: 2018-04-19. Review status: criteria provided, single submitter. Criteria: GeneDx Variant Classification (06012015). Collection method: clinical testing. Allele origin: germline. Affected: yes.
Comment: The G54R variant of uncertain significance in the SNTA1 gene was previously reported in one SIDS case (Cheng et al., 2009). This variant has also been identified in multiple unrelated individuals referred for cardiac genetic testing at GeneDx. However, two individuals also harbor pathogenic or likely pathogenic variants in other genes that likely explain their disease phenotype, and currently available segregation data is non-informative. The G54R variant is observed in 4/1,850 alleles from individuals of Latino ancestry and 5/24,724 alleles from individuals of European (non-Finnish) ancestry in large population cohorts (Lek et al., 2016). G54R is a non-conservative amino acid substitution, which is likely to impact secondary protein structure as these residues differ in polarity, charge, size and/or other properties. However, in-silico analyses, including protein predictors and evolutionary conservation, support that this variant does not alter protein structure/function. Furthermore, functional studies determined the G54R variant is equivalent to the wildtype; showing functionally insignificant changes in the sodium current (Cheng et al., 2009). Therefore, based on the currently available information, it is unclear whether this variant is pathogenic or benign.

Breakthrough Genomics
Classification: Uncertain significance. Review status: criteria provided, single submitter. Criteria: ACMG Guidelines, 2015. Collection method: not provided. Allele origin: germline. Inheritance: Autosomal dominant inheritance. Affected: yes.

Literature cited by the submitters: PubMed 20009079 (cited by Labcorp Genetics (formerly Invitae), Labcorp and Ambry Genetics); PubMed 34546463 (cited by Labcorp Genetics (formerly Invitae), Labcorp); PubMed 38426305 (cited by Labcorp Genetics (formerly Invitae), Labcorp); PubMed 30471092 (cited by Ambry Genetics).